The following is an entry in ClinVar:

ClinVar aggregate classification (germline): Pathogenic (1 of 4 stars; one submission).

Conditions:
Diamond-Blackfan anemia 3 (DBA3). Also called: RPS24-Related Diamond-Blackfan Anemia. Identifiers: Orphanet 124, MedGen C1857719, MONDO:0012529, OMIM 610629.

Submission:

University of Washington Department of Laboratory Medicine, University of Washington
Classification: Pathogenic for Diamond-Blackfan anemia 3. Last evaluated: 2018-02-06. Review status: criteria provided, single submitter. Criteria: Shirts BH et al. (Genet Med 2016). Collection method: clinical testing. Allele origin: germline. Inheritance: Autosomal dominant inheritance. Affected: yes.

NM_033022.4(RPS24):c.148A>C (p.Thr50Pro)

Gene: RPS24 (ribosomal protein S24; plus strand). Cytogenetic location: 10q22.3.
Variant type: single nucleotide variant.
Coding change: c.148A>C on transcript NM_033022.4 (MANE Select); coding-DNA position 148, A replaced by C.
Protein change: p.Thr50Pro; replaces threonine 50 with proline.
Molecular consequence: missense variant.
Genome position (GRCh38, 1-based): chr10:78,035,589, A>C. VCF-style: chr10-78035589-A-C. GRCh37 (hg19) VCF-style: chr10-79795347-A-C.
Other names: c.148A>C, p.Thr50Pro (NM_001026.5, NM_001142282.2, NM_001142283.2 and 2 more transcripts); short protein forms T50P.
Identifiers: ClinVar variation 549764 (VCV000549764.3), dbSNP rs1554841994, ClinGen allele CA377328517.